The following is an entry in ClinVar:

ClinVar aggregate classification (germline): Benign (1 of 4 stars; one submission).

Conditions:
Hereditary spastic paraplegia 6 (SPG6). Also called: SPASTIC PARAPLEGIA 6, AUTOSOMAL DOMINANT. Identifiers: Orphanet 100988, MedGen C1838192, MONDO:0010878, OMIM 600363.

Allele frequency attached by ClinVar (database versions not stated): gnomAD 0.00006 and 0.00007; TOPMed 0.00010; 1000 Genomes Project 0.00040; 1000 Genomes Project 30x 0.00047.

Submission:

Illumina Laboratory Services, Illumina
Classification: Benign for Hereditary spastic paraplegia 6. Last evaluated: 2018-01-13. Review status: criteria provided, single submitter. Criteria: ICSL Variant Classification Criteria 13 December 2019. Collection method: clinical testing. Allele origin: germline.
Comment: This variant was observed in the ICSL laboratory as part of a predisposition screen in an ostensibly healthy population. It had not been previously curated by ICSL or reported in the Human Gene Mutation Database (HGMD: prior to June 1st, 2018), and was therefore a candidate for classification through an automated scoring system. Utilizing variant allele frequency, disease prevalence and penetrance estimates, and inheritance mode, an automated score was calculated to assess if this variant is too frequent to cause the disease. Based on the score and internal cut-off values, a variant classified as benign is not then subjected to further curation. The score for this variant resulted in a classification of benign for this disease.

NM_144599.5(NIPA1):c.*1146T>C

Gene: NIPA1 (NIPA magnesium transporter 1; plus strand). Cytogenetic location: 15q11.2.
Variant type: single nucleotide variant.
Coding change: c.*1146T>C on transcript NM_144599.5 (MANE Select); 1146 bases downstream of the stop codon, T replaced by C.
Molecular consequence: 3 prime UTR variant.
Genome position (GRCh38, 1-based): chr15:22,825,385, T>C. VCF-style: chr15-22825385-T-C. GRCh37 (hg19) VCF-style: chr15-23047683-A-G.
Other names: c.*1146T>C (NM_001142275.1).
Identifiers: ClinVar variation 315404 (VCV000315404.5), dbSNP rs181621508, ClinGen allele CA10641451.
Genomic context (GRCh38, chr15:22,825,385, plus strand): 5'-GTGGTATGTCTTTGACAGAAACATGGTTACGTGGTTCATGACTGTATATTCACTGGAAGA[T>C]AGTCAAGACTAAAGACACATTAGAGCAAATTGACCCCTTTAACATGTGATTATTGTCCAA-3'